The following is an entry in ClinVar:

ClinVar aggregate classification (germline): Conflicting classifications of pathogenicity. Review status: criteria provided, conflicting classifications (1 of 4 stars). 2 submissions from 2 submitters: Likely pathogenic (1); Uncertain significance (1). Last evaluated 2022-10-31.

Conditions:
Cardiomyopathy (CMYO). Also called: Cardiomyopathies. Identifiers: Orphanet 167848, MedGen C0878544, MONDO:0004994, HP:0001638. Inheritance: Various modes of inheritance.
Desmin-related myofibrillar myopathy (MFM1). Also called: Desmin related myopathy (former name); Desmin storage myopathy (former name); MYOFIBRILLAR MYOPATHY WITH ARRHYTHMOGENIC RIGHT VENTRICULAR CARDIOMYOPATHY; DESMIN-RELATED MYOPATHY WITH ARRHYTHMOGENIC RIGHT VENTRICULAR CARDIOMYOPATHY; Desminopathy; Myofibrillar myopathy 1. Identifiers: Orphanet 363543, Orphanet 98909, MedGen C1832370, MONDO:0011076, OMIM 601419.

Submissions (2):

Labcorp Genetics (formerly Invitae), Labcorp
Classification: Likely pathogenic for Desmin-related myofibrillar myopathy. Last evaluated: 2022-10-31. Review status: criteria provided, single submitter. Criteria: Invitae Variant Classification Sherloc (09022015). Collection method: clinical testing. Allele origin: germline.
Comment: This variant is not present in population databases (gnomAD no frequency). This sequence change replaces isoleucine, which is neutral and non-polar, with phenylalanine, which is neutral and non-polar, at codon 402 of the DES protein (p.Ile402Phe). This missense change has been observed in individual(s) with clinical features of autosomal dominant DES-related conditions (Invitae). In summary, the currently available evidence indicates that the variant is pathogenic, but additional data are needed to prove that conclusively. Therefore, this variant has been classified as Likely Pathogenic. This variant disrupts the p.Ile402 amino acid residue in DES. Other variant(s) that disrupt this residue have been observed in individuals with DES-related conditions (PMID: 25557463; Invitae), which suggests that this may be a clinically significant amino acid residue. Advanced modeling of protein sequence and biophysical properties (such as structural, functional, and spatial information, amino acid conservation, physicochemical variation, residue mobility, and thermodynamic stability) performed at Invitae indicates that this missense variant is expected to disrupt DES protein function.

CHEO Genetics Diagnostic Laboratory, Children's Hospital of Eastern Ontario
Classification: Uncertain significance for Cardiomyopathy. Last evaluated: 2021-10-12. Review status: criteria provided, single submitter. Criteria: ACMG Guidelines, 2015. Collection method: clinical testing. Allele origin: germline.

Literature cited by the submitters: PubMed 25557463 (cited by Labcorp Genetics (formerly Invitae), Labcorp).

NM_001927.4(DES):c.1204A>T (p.Ile402Phe)

Gene: DES (desmin; plus strand). Cytogenetic location: 2q35.
Variant type: single nucleotide variant.
Coding change: c.1204A>T on transcript NM_001927.4 (MANE Select); coding-DNA position 1204, A replaced by T.
Protein change: p.Ile402Phe; replaces isoleucine 402 with phenylalanine.
Molecular consequence: missense variant.
Genome position (GRCh38, 1-based): chr2:219,421,520, A>T. VCF-style: chr2-219421520-A-T. GRCh37 (hg19) VCF-style: chr2-220286242-A-T.
Other names: c.1201A>T, p.Ile401Phe (NM_001382708.1); c.772A>T, p.Ile258Phe (NM_001382709.1); c.1135A>T, p.Ile379Phe (NM_001382710.1); c.1183A>T, p.Ile395Phe (NM_001382711.1); c.1204A>T, p.Ile402Phe (NM_001382712.1); c.934A>T, p.Ile312Phe (NM_001382713.1); short protein forms I258F, I312F, I379F, I395F, I401F, I402F.
Identifiers: ClinVar variation 2442945 (VCV002442945.5), dbSNP rs2545255397, ClinGen allele CA350694968.